The following is an entry in ClinVar:

ClinVar aggregate classification (germline): Uncertain significance (1 of 4 stars; one submission).

Conditions:
Facioscapulohumeral muscular dystrophy 2 (FSHD2). Also called: MUSCULAR DYSTROPHY, FACIOSCAPULOHUMERAL, TYPE 1B; FACIOSCAPULOHUMERAL MUSCULAR DYSTROPHY 2, DIGENIC; FSHD2, DIGENIC. Identifiers: Orphanet 269, MedGen C1834671, MONDO:0008031, OMIM 158901.

Allele frequency attached by ClinVar (database versions not stated): gnomAD exomes below 0.00001; TOPMed 0.00002.
gnomAD v4.1: 2 of 1,568,192 alleles (0.00013%); highest among the groups gnomAD compares: African/African-American, 0.0028%; no homozygotes.

Submission:

Labcorp Genetics (formerly Invitae), Labcorp
Classification: Uncertain significance for Facioscapulohumeral muscular dystrophy 2. Last evaluated: 2023-12-09. Review status: criteria provided, single submitter. Criteria: Invitae Variant Classification Sherloc (09022015). Collection method: clinical testing. Allele origin: germline.
Comment: This sequence change replaces isoleucine, which is neutral and non-polar, with valine, which is neutral and non-polar, at codon 1679 of the SMCHD1 protein (p.Ile1679Val). This variant is not present in population databases (gnomAD no frequency). This variant has not been reported in the literature in individuals affected with SMCHD1-related conditions. Advanced modeling of protein sequence and biophysical properties (such as structural, functional, and spatial information, amino acid conservation, physicochemical variation, residue mobility, and thermodynamic stability) performed at Invitae indicates that this missense variant is not expected to disrupt SMCHD1 protein function with a negative predictive value of 80%. In summary, the available evidence is currently insufficient to determine the role of this variant in disease. Therefore, it has been classified as a Variant of Uncertain Significance.

NM_015295.3(SMCHD1):c.5035A>G (p.Ile1679Val)

Gene: SMCHD1 (structural maintenance of chromosomes flexible hinge domain containing 1; plus strand). Cytogenetic location: 18p11.32.
Variant type: single nucleotide variant.
Coding change: c.5035A>G on transcript NM_015295.3 (MANE Select); coding-DNA position 5035, A replaced by G.
Protein change: p.Ile1679Val; replaces isoleucine 1679 with valine.
Molecular consequence: missense variant.
Genome position (GRCh38, 1-based): chr18:2,771,601, A>G. VCF-style: chr18-2771601-A-G. GRCh37 (hg19) VCF-style: chr18-2771599-A-G.
Other names: short protein forms I1679V.
Identifiers: ClinVar variation 2883194 (VCV002883194.3), dbSNP rs2075985422, ClinGen allele CA401682773.